The following is an entry in ClinVar:

NM_018062.4(FANCL):c.2T>C (p.Met1Thr)

Gene: FANCL (FA complementation group L; minus strand). Cytogenetic location: 2p16.1.
Variant type: single nucleotide variant.
Coding change: c.2T>C on transcript NM_018062.4 (MANE Select); coding-DNA position 2, T replaced by C.
Protein change: p.Met1Thr; changes the start codon (methionine 1).
Molecular consequence: missense variant, initiator codon variant.
Genome position (GRCh38, 1-based): chr2:58,241,312, A>G on the plus strand (T>C on the coding strand, the complement: FANCL is on the minus strand). VCF-style: chr2-58241312-A-G. GRCh37 (hg19) VCF-style: chr2-58468447-A-G.
Other names: c.2T>C, p.Met1Thr (NM_001114636.2, NM_001374615.1, NM_001410792.1); short protein forms M1T.
Identifiers: ClinVar variation 566870 (VCV000566870.56), dbSNP rs761291501, ClinGen allele CA1670856.

ClinVar aggregate classification (germline): Pathogenic/Likely pathogenic. Review status: criteria provided, multiple submitters, no conflicts (2 of 4 stars). 9 submissions from 9 submitters: Pathogenic (4); Likely pathogenic (3). 2 of the submissions do not count toward it. Last evaluated 2026-01-09.

Conditions:
FANCL-related disorders.
Fanconi anemia (FA). Also called: Fanconi's anemia. Identifiers: Orphanet 84, MedGen C0015625, MeSH D005199, MONDO:0019391.
Fanconi anemia complementation group L (FANCL). Also called: FANCL-Related Fanconi Anemia. Identifiers: Orphanet 84, MedGen C3469528, MONDO:0013566, OMIM 614083.

Allele frequency attached by ClinVar (database versions not stated): TOPMed 0.00002; gnomAD exomes 0.00005; gnomAD 0.00001; ExAC 0.00005.

Submissions (9):

Labcorp Genetics (formerly Invitae), Labcorp
Classification: Pathogenic for Fanconi anemia. Last evaluated: 2026-01-09. Review status: criteria provided, single submitter. Criteria: Invitae Variant Classification Sherloc (09022015). Collection method: clinical testing. Allele origin: germline.
Comment: This sequence change affects the initiator codon of the FANCL mRNA. This change may impact translation initiation or efficiency. The next in-frame methionine is located at codon 74. This variant is present in population databases (rs761291501, gnomAD 0.01%). Disruption of the initiator codon has been observed in individuals with breast cancer, clinical features of Fanconi anemia, and/or glioma (PMID: 29335925, 29625052, 31300551, 33727708, 34008892; internal data). ClinVar contains an entry for this variant (Variation ID: 566870). This variant disrupts the E2-like fold (ELF) domain of the FANCL protein, which is required for its interaction with the FANCB-FAAP100 complex as well as for non-covalent binding to ubiquitin (PMID: 26149689, 27986371). While functional studies have not been performed to directly test the effect of this variant on FANCL protein function, this suggests that disruption of this region of the protein is causative of disease. For these reasons, this variant has been classified as Pathogenic.

CeGaT Center for Human Genetics Tuebingen
Classification: Likely pathogenic. Last evaluated: 2026-01-01. Review status: criteria provided, single submitter. Criteria: CeGaT Center For Human Genetics Tuebingen Variant Classification Criteria Version 2. Collection method: clinical testing. Allele origin: germline. Affected: yes. Observed: 7 variant alleles.
Comment: FANCL: PM2, PM3, PVS1:Moderate

Blueprint Genetics
Classification: Pathogenic for FANCL-related disorders. Last evaluated: 2024-11-15. Review status: criteria provided, single submitter. Criteria: ACMG Guidelines, 2015. Collection method: clinical testing. Allele origin: de novo. Affected: yes. Observed: 5 variant alleles.

Fulgent Genetics
Classification: Likely pathogenic for Fanconi anemia complementation group L. Last evaluated: 2024-03-25. Review status: criteria provided, single submitter. Criteria: ACMG Guidelines, 2015. Collection method: clinical testing. Allele origin: germline.

Women's Health and Genetics/Laboratory Corporation of America, LabCorp
Classification: Likely pathogenic for Fanconi anemia. Last evaluated: 2023-06-27. Review status: criteria provided, single submitter. Criteria: LabCorp Variant Classification Summary - May 2015. Collection method: clinical testing. Allele origin: germline.
Comment: Variant summary: FANCL c.2T>C (p.Met1Thr) alters the initiation codon and is predicted to result either in absence of the protein or truncation of the encoded protein due to translation initiation at a downstream codon. The next in-frame methionine is located at codon 74 in exon 4. Four other variants affecting the same initiation codon have been scored as likely pathogenic in ClinVar, providing evidence for the critical nature of this codon. Two of three in-silico tools predict a damaging effect of the variant on protein function. The variant allele was found at a frequency of 4.8e-05 in 250878 control chromosomes. This frequency is not significantly higher than estimated for a pathogenic variant in FANCL causing Fanconi Anemia (4.8e-05 vs 0.00028), allowing no conclusion about variant significance. c.2T>C has been reported in the literature in homozygous individuals affected with Fanconi Anemia (examples: Marinakis_2021, Spedicati_2021) as well as in individuals affected with various cancers (male breast cancer, colorectal cancer, low-grade glioma, uterine carcinoma) or polyposis syndrome without evidence of causality (examples: Fostira_2018, Huang_2018, Staninova-Stojovska_2019, Chirita-Emandi_2020, Ciccarrone_2022). These data indicate that the variant is likely to be associated with disease. To our knowledge, no experimental evidence demonstrating an impact on protein function has been reported. The following publications have been ascertained in the context of this evaluation (PMID: 31937788, 35454841, 29335925, 29625052, 34008892, 33727708, 31942411). Five submitters have cited clinical-significance assessments for this variant to ClinVar after 2014, classifying the variant as pathogenic (n=3), likely pathogenic (n=1), or uncertain significance (n=1). Based on the evidence outlined above, the variant was classified as likely pathogenic.

Laboratory of Medical Genetics, National & Kapodistrian University of Athens
Classification: Pathogenic for Fanconi anemia complementation group L. Last evaluated: 2021-10-01. Review status: criteria provided, single submitter. Criteria: ACMG Guidelines, 2015. Collection method: clinical testing. Allele origin: unknown. Affected: yes.
Comment: PVS1, PM2, PP5

Neuberg Centre For Genomic Medicine, NCGM
Classification: Pathogenic for Fanconi anemia complementation group L. Review status: criteria provided, single submitter. Criteria: ACMG Guidelines, 2015. Collection method: clinical testing. Allele origin: germline. Affected: yes.
Comment: The initiator codon variant p.M1T in FANCL (NM_018062.4) has been reported previously in males with breast cancer (Fostira F et al). The variant has been submitted to ClinVar as Pathogenic. The p.M1T variant is observed in 12/1,13,460 (0.0106%) alleles from individuals of European (Non-Finnish) background in gnomAD Exomes and is novel (not in any individuals) in 1000 Genomes. The p.M1T variant is a start loss variant and no nearby start loss variant is present and hence it is predicted to damaging. Other variants affecting the same residue have been previously reported to be disease causing (Miles JA et al). For these reasons, this variant has been classified as Pathogenic.

Leiden Open Variation Database
Classification: Pathogenic. Last evaluated: 2019-12-23. Review status: no assertion criteria provided. Collection method: curation. Allele origin: germline. Affected: yes. Not counted in ClinVar's aggregate classification.
Comment: Curator: Arleen D. Auerbach. Submitter to LOVD: Florentia Fostira.

Genetic Services Laboratory, University of Chicago
Classification: Uncertain significance. Last evaluated: 2021-05-19. Review status: flagged submission. Criteria: ACMG Guidelines, 2015. Collection method: clinical testing. Allele origin: germline. Affected: no. Not counted in ClinVar's aggregate classification.
Comment: DNA sequence analysis of the FANCL gene demonstrated a sequence change, c.2T>C, in exon 1 that results in the loss of the initiator codon, methionine, in the FANCL mRNA. This sequence change has been described in the gnomAD database with a frequency of 0.011% in the European (non-Finnish) subpopulation. Although experimental studies are not available for this variant, the next in-frame methionine in the NM_ 018062.3 transcript is located at codon 74 in exon 4. No clearly pathogenic variants have been described upstream of the methionine residue at codon 74 to date. Due to the lack of sufficient evidences and functional studies, the clinical significance of the FANCL c.2T>C remains unknown at this time.
ClinVar note: Reason: Outlier claim with insufficient supporting evidence

Literature cited by the submitters: PubMed 29335925 (cited by Labcorp Genetics (formerly Invitae), Labcorp and Women's Health and Genetics/Laboratory Corporation of America, LabCorp); PubMed 29625052 (cited by Labcorp Genetics (formerly Invitae), Labcorp and Women's Health and Genetics/Laboratory Corporation of America, LabCorp); PubMed 31300551 (cited by Labcorp Genetics (formerly Invitae), Labcorp and Leiden Open Variation Database); PubMed 33727708 (cited by Labcorp Genetics (formerly Invitae), Labcorp and Women's Health and Genetics/Laboratory Corporation of America, LabCorp); PubMed 34008892 (cited by 3 submitters); PubMed 26149689 (cited by Labcorp Genetics (formerly Invitae), Labcorp); PubMed 27986371 (cited by Labcorp Genetics (formerly Invitae), Labcorp); PubMed 31937788 (cited by Women's Health and Genetics/Laboratory Corporation of America, LabCorp); PubMed 31942411 (cited by Women's Health and Genetics/Laboratory Corporation of America, LabCorp); PubMed 35454841 (cited by Women's Health and Genetics/Laboratory Corporation of America, LabCorp).